The following is an entry in ClinVar:

NM_001040108.2(MLH3):c.713A>G (p.Tyr238Cys)

Gene: MLH3 (mutL homolog 3; minus strand). Cytogenetic location: 14q24.3.
Variant type: single nucleotide variant.
Coding change: c.713A>G on transcript NM_001040108.2 (MANE Select); coding-DNA position 713, A replaced by G.
Protein change: p.Tyr238Cys; replaces tyrosine 238 with cysteine.
Molecular consequence: missense variant.
Genome position (GRCh38, 1-based): chr14:75,048,943, T>C on the plus strand (A>G on the coding strand, the complement: MLH3 is on the minus strand). VCF-style: chr14-75048943-T-C. GRCh37 (hg19) VCF-style: chr14-75515646-T-C.
Other names: c.713A>G, p.Tyr238Cys (NM_014381.3); short protein forms Y238C.
Identifiers: ClinVar variation 375855 (VCV000375855.15), dbSNP rs144707485, ClinGen allele CA7275980.

ClinVar aggregate classification (germline): Uncertain significance. Review status: criteria provided, multiple submitters, no conflicts (2 of 4 stars). 4 submissions from 4 submitters: Uncertain significance (2). 2 of the submissions do not count toward it. Last evaluated 2025-03-31.

Conditions:
MLH3-related disorder. Also called: MLH3-related condition.
Colorectal cancer. Also called: Malignant Colorectal Neoplasm; Colorectal cancer, somatic. Identifiers: MedGen C0346629, MONDO:0005575, OMIM 114500.
Colorectal cancer, hereditary nonpolyposis, type 7. Identifiers: Orphanet 144, MedGen C1858380, MONDO:0013725, OMIM 614385.

Allele frequency attached by ClinVar (database versions not stated): TOPMed 0.00002.
gnomAD v4.1: 32 of 1,613,242 alleles (0.002%); highest among the groups gnomAD compares: Middle Eastern, 0.033%; no homozygotes.

Submissions (4):

Ambry Genetics
Classification: Uncertain significance. Last evaluated: 2025-03-31. Review status: criteria provided, single submitter. Criteria: Ambry Variant Classification Scheme 2023. Collection method: clinical testing. Allele origin: germline.
Comment: The p.Y238C variant (also known as c.713A>G), located in coding exon 1 of the MLH3 gene, results from an A to G substitution at nucleotide position 713. The tyrosine at codon 238 is replaced by cysteine, an amino acid with highly dissimilar properties. This amino acid position is well conserved in available vertebrate species. In addition, the in silico prediction for this alteration is inconclusive. The evidence for this gene-disease relationship is limited; therefore, the clinical significance of this alteration is unclear.

Labcorp Genetics (formerly Invitae), Labcorp
Classification: Uncertain significance for Colorectal cancer, hereditary nonpolyposis, type 7. Last evaluated: 2023-07-26. Review status: criteria provided, single submitter. Criteria: Invitae Variant Classification Sherloc (09022015). Collection method: clinical testing. Allele origin: germline.
Comment: This sequence change replaces tyrosine, which is neutral and polar, with cysteine, which is neutral and slightly polar, at codon 238 of the MLH3 protein (p.Tyr238Cys). This variant is present in population databases (rs144707485, gnomAD 0.004%). This variant has not been reported in the literature in individuals affected with MLH3-related conditions. ClinVar contains an entry for this variant (Variation ID: 375855). An algorithm developed to predict the effect of missense changes on protein structure and function (PolyPhen-2) suggests that this variant is likely to be disruptive. In summary, the available evidence is currently insufficient to determine the role of this variant in disease. Therefore, it has been classified as a Variant of Uncertain Significance.

PreventionGenetics, part of Exact Sciences
Classification: Uncertain significance for MLH3-related condition. Last evaluated: 2024-03-13. Review status: no assertion criteria provided. Collection method: clinical testing. Allele origin: germline. Not counted in ClinVar's aggregate classification.
Comment: The MLH3 c.713A>G variant is predicted to result in the amino acid substitution p.Tyr238Cys. To our knowledge, this variant has not been reported in the literature. This variant is reported in 0.0044% of alleles in individuals of European (Non-Finnish) descent in gnomAD. In ClinVar, this variant has been listed as 'uncertain significance' by several outside laboratories. At this time, the clinical significance of this variant is uncertain due to the absence of conclusive functional and genetic evidence.

CSER _CC_NCGL, University of Washington
Classification: Uncertain significance for Colorectal cancer. Last evaluated: 2016-08-01. Review status: no assertion criteria provided. Collection method: research. Allele origin: germline. Inheritance: Autosomal dominant inheritance. Study: CSER - NEXT Medicine variant annotation. Not counted in ClinVar's aggregate classification.